The following is an entry in ClinVar:

NM_002941.4(ROBO1):c.1049C>T (p.Pro350Leu)

Gene: ROBO1 (roundabout guidance receptor 1; minus strand). Cytogenetic location: 3p12.3.
Variant type: single nucleotide variant.
Coding change: c.1049C>T on transcript NM_002941.4 (MANE Select); coding-DNA position 1049, C replaced by T.
Protein change: p.Pro350Leu; replaces proline 350 with leucine.
Molecular consequence: missense variant.
Genome position (GRCh38, 1-based): chr3:78,688,769, G>A on the plus strand (C>T on the coding strand, the complement: ROBO1 is on the minus strand). VCF-style: chr3-78688769-G-A. GRCh37 (hg19) VCF-style: chr3-78737919-G-A.
Other names: c.941C>T, p.Pro314Leu (NM_001145844.1, NM_001145845.2, NM_133631.4); short protein forms P314L, P350L.
Identifiers: ClinVar variation 2007496 (VCV002007496.4), dbSNP rs2472353222, ClinGen allele CA353654209.
Genomic context (GRCh38, chr3:78,688,769, plus strand): 5'-AAAGTTACAGTCCGTCCCAAAGCAACAACCTGGTCACGGGGTTTCACAACAAAATGTGGA[G>A]GTTCTGAAGGAGGTGAAACAAATTACACCGAATTAAAAGCACGTTGTTATTGTCCTAATT-3'
Protein context (NP_002932.1, residues 340-360): EASATLTVQE[Pro350Leu]PHFVVKPRDQ

ClinVar aggregate classification (germline): Uncertain significance (1 of 4 stars; one submission).

Submission:

Labcorp Genetics (formerly Invitae), Labcorp
Classification: Uncertain significance. Last evaluated: 2022-06-16. Review status: criteria provided, single submitter. Criteria: Invitae Variant Classification Sherloc (09022015). Collection method: clinical testing. Allele origin: germline.
Comment: This sequence change replaces proline, which is neutral and non-polar, with leucine, which is neutral and non-polar, at codon 350 of the ROBO1 protein (p.Pro350Leu). This variant is not present in population databases (gnomAD no frequency). In summary, the available evidence is currently insufficient to determine the role of this variant in disease. Therefore, it has been classified as a Variant of Uncertain Significance. Algorithms developed to predict the effect of missense changes on protein structure and function (SIFT, PolyPhen-2, Align-GVGD) all suggest that this variant is likely to be disruptive. This variant has not been reported in the literature in individuals affected with ROBO1-related conditions.